The following is an entry in ClinVar:

NM_000070.3(CAPN3):c.1319G>A (p.Arg440Gln)

Gene: CAPN3 (calpain 3; plus strand). Cytogenetic location: 15q15.1.
Variant type: single nucleotide variant.
Coding change: c.1319G>A on transcript NM_000070.3 (MANE Select); coding-DNA position 1319, G replaced by A.
Protein change: p.Arg440Gln; replaces arginine 440 with glutamine.
Molecular consequence: missense variant.
Genome position (GRCh38, 1-based): chr15:42,399,617, G>A. VCF-style: chr15-42399617-G-A. GRCh37 (hg19) VCF-style: chr15-42691815-G-A.
Other names: NM_000070.3(CAPN3):c.1319G>A; c.1319G>A, p.Arg440Gln (NM_024344.2); c.1175G>A, p.Arg392Gln (NM_173087.2); short protein forms R440Q, R392Q.
Identifiers: ClinVar variation 217147 (VCV000217147.56), dbSNP rs376107921, ClinGen allele CA347525.

ClinVar aggregate classification (germline): Likely pathogenic. Review status: reviewed by expert panel (3 of 4 stars). 17 submissions from 16 submitters: Likely pathogenic (1). 16 of the submissions do not count toward it. Last evaluated 2025-01-09.

Conditions:
Muscular dystrophy, limb-girdle, autosomal dominant 4. Also called: MUSCULAR DYSTROPHY, LIMB-GIRDLE, TYPE 1I; Calpain-3-related limb-girdle muscular dystrophy D4. Identifiers: Orphanet 565909, MedGen C4748295, MONDO:0029133, OMIM 618129.
Autosomal recessive limb-girdle muscular dystrophy type 2A (LGMDR1). Also called: Calpainopathy; Muscular dystrophy, limb-girdle, type 2A, Amish; LEYDEN-MOEBIUS MUSCULAR DYSTROPHY; MUSCULAR DYSTROPHY, PELVOFEMORAL; Limb-girdle muscular dystrophy, type 2A. Identifiers: Orphanet 267, MedGen C1869123, MONDO:0009675, OMIM 253600. Disease mechanism: loss of function.
CAPN3-related disorder. Also called: CAPN3-related condition; CAPN3-related disorders. Identifiers: MedGen CN239245.
Autosomal recessive limb-girdle muscular dystrophy. Identifiers: Orphanet 102015, MedGen C2931907, MONDO:0015152.
Abnormality of the musculature. Identifiers: MedGen C4021745, HP:0003011.

Allele frequency attached by ClinVar (database versions not stated): ESP Exome Variant Server 0.00008; gnomAD 0.00013; TOPMed 0.00019.
gnomAD v4.1: 239 of 1,611,116 alleles (0.015%); highest among the groups gnomAD compares: South Asian, 0.026%; no homozygotes.

Submissions 1 to 7 of 17:

ClinGen Limb Girdle Muscular Dystrophy Variant Curation Expert Panel, ClinGen
Classification: Likely pathogenic for Autosomal recessive limb-girdle muscular dystrophy. Last evaluated: 2025-01-09. Review status: reviewed by expert panel. Criteria: ClinGen LGMD VCEP ACMG Specifications CAPN3 V1.0.0. Collection method: curation. Allele origin: germline. Inheritance: Autosomal recessive inheritance.
Comment: The NM_000070.3: c.1319G>A variant in CAPN3 is a missense variant predicted to cause the substitution of arginine by glutamine at amino acid 440 (p.Arg440Gln). This variant has been detected in at least 12 individuals with a clinical diagnosis or suspicion of limb girdle muscular dystrophy (PMID: 20694146, 18055493, 17994539, 18334579, 18854869, 15689361, 19048948, 21984748; Washington University internal clinic data communication), including confirmed in trans with a pathogenic variant (c.550del, 1.0 pt, PMID: 17994539), and in unknown phase with a likely pathogenic or pathogenic variant in three cases (c.2362_2363delinsTCATCT p.(Arg788SerfsTer14), 0.5 pts, PMID: 21984748; c.633G>C p.(Lys211Asn), 0.5 pts, PMID: 18334579, 20694146, 18055493) (PM3_Strong). At least one patient with this variant was clinically suspected to have limb girdle muscular dystrophy and displayed absent calpain-3 protein expression, which is highly specific for CAPN3-related LGMD (PP4_Strong; PMID: 18055493, 20694146, 18854869, 19048948). The filtering allele frequency of the variant is 0.0004336 for South Asian exome alleles in gnomAD v2.1.1 (the upper threshold of the 95% CI of 7/30318), which is greater than the LGMD VCEP threshold (<0.0001) for PM2_Supporting (criterion not met). The computational predictor REVEL gives a score of 0.79, which is above the VCEP threshold of 0.70, evidence that correlates with impact to CAPN3 function (PP3). In summary, this variant meets the criteria to be classified as Likely Pathogenic for autosomal recessive limb girdle muscular dystrophy based on the ACMG/AMP criteria applied, as specified by the ClinGen LGMD VCEP (LGMD VCEP specifications version 1.0.0; 01/09/2025): PM3_Strong, PP4_Strong, PP3.

Women's Health and Genetics/Laboratory Corporation of America, LabCorp
Classification: Pathogenic for Autosomal recessive limb-girdle muscular dystrophy type 2A. Last evaluated: 2026-03-13. Review status: criteria provided, single submitter. Criteria: LabCorp Variant Classification Summary - May 2015. Collection method: clinical testing. Allele origin: germline. Not counted in ClinVar's aggregate classification.
Comment: Variant summary: CAPN3 c.1319G>A (p.Arg440Gln) results in a conservative amino acid change in the encoded protein sequence. Algorithms developed to predict the effect of missense changes on protein structure and function are either unavailable or do not agree on the potential impact of this missense change. The variant allele was found at a frequency of 6.5e-05 in 247616 control chromosomes. This frequency is not significantly higher than estimated for disease-causing variants in CAPN3, allowing no conclusion about variant significance. c.1319G>A has been observed in multiple individuals affected with autosomal recessive limb-girdle muscular dystrophy type 2A (e.g. Fanin_2004, Chakravorty_2020, Pathak_2020). These data indicate that the variant is very likely to be associated with disease. To our knowledge, no experimental evidence demonstrating an impact on protein function has been reported. The following publications have been ascertained in the context of this evaluation (PMID: 15221789, 33250842, 33337384). ClinVar contains an entry for this variant (Variation ID: 217147). To our knowledge, this variant has not been reported in individuals with autosomal dominant limb-girdle muscular dystrophy. Based on the evidence outlined above, the variant was classified as pathogenic for autosomal recessive limb-girdle muscular dystrophy type 2A.

Labcorp Genetics (formerly Invitae), Labcorp
Classification: Pathogenic for Autosomal recessive limb-girdle muscular dystrophy type 2A. Last evaluated: 2026-01-17. Review status: criteria provided, single submitter. Criteria: Invitae Variant Classification Sherloc (09022015). Collection method: clinical testing. Allele origin: germline. Not counted in ClinVar's aggregate classification.
Comment: This sequence change replaces arginine, which is basic and polar, with glutamine, which is neutral and polar, at codon 440 of the CAPN3 protein (p.Arg440Gln). This variant is present in population databases (rs376107921, gnomAD 0.02%). This missense change has been observed in individuals with autosomal recessive limb-girdle muscular dystrophy type 2A (PMID: 15221789, 18055493, 19048948, 20694146, 21984748, 25326637). ClinVar contains an entry for this variant (Variation ID: 217147). Invitae Evidence Modeling of protein sequence and biophysical properties (such as structural, functional, and spatial information, amino acid conservation, physicochemical variation, residue mobility, and thermodynamic stability) indicates that this missense variant is not expected to disrupt CAPN3 protein function with a negative predictive value of 80%. Experimental studies have shown that this missense change affects CAPN3 function (PMID: 15221789, 18055493, 19048948, 20694146). For these reasons, this variant has been classified as Pathogenic.

PreventionGenetics, part of Exact Sciences
Classification: Pathogenic for CAPN3-related condition. Last evaluated: 2025-12-16. Review status: criteria provided, single submitter. Criteria: ACMG Guidelines, 2015. Collection method: clinical testing. Allele origin: germline. Not counted in ClinVar's aggregate classification.
Comment: The CAPN3 c.1319G>A variant is predicted to result in the amino acid substitution p.Arg440Gln. This variant has been reported in both the compound heterozygous and homozygous state in many unrelated individuals to be causative for limb girdle muscular dystrophy, type 2A (see examples: Groen et al. 2007. PubMed ID: 18055493; Sacconi et al. 2012. PubMed ID: 21984748; Ganaraja et al. 2021. PubMed ID: 35169782). Western blot analysis using patient cells demonstrated a lack of calpain-3 protein expression (Fanin et al. 2004. PubMed ID: 15221789). This variant is reported in 0.023% of alleles in individuals of South Asian descent in gnomAD and has been consistently interpreted as pathogenic by several laboratories in the ClinVar database (Variation ID: 217147). This variant is interpreted as pathogenic.

Natera, Inc.
Classification: Pathogenic for Limb-girdle muscular dystrophy type 2A. Last evaluated: 2025-10-16. Review status: criteria provided, single submitter. Criteria: Natera Variant Classification Schema (03/2026). Collection method: clinical testing. Allele origin: germline. Not counted in ClinVar's aggregate classification.
Comment: The c.1319G>A variant in CAPN3 is a missense variant predicted to cause substitution of arginine to glutamine at amino acid 440. This variant is rare in the general population with a frequency below the threshold expected for the associated phenotype(s). This variant has been observed in one or more individuals affected with the associated recessive disease, as either homozygous or compound heterozygous with a second variant (PMID: 35169782, 17994539, 18055493, 18055493, 15221789, 21984748). A different variant at the same position has been determined to be Pathogenic or Likely Pathogenic. Computational prediction algorithms indicate this variant is likely to affect gene or protein function. Given the available evidence, this variant is classified as Pathogenic.

Clinical Genomics Laboratory, Washington University in St. Louis
Classification: Pathogenic for Autosomal recessive limb-girdle muscular dystrophy type 2A; Muscular dystrophy, limb-girdle, autosomal dominant 4. Last evaluated: 2025-03-13. Review status: criteria provided, single submitter. Criteria: ACMG Guidelines, 2015. Collection method: clinical testing. Allele origin: germline. Affected: yes. Not counted in ClinVar's aggregate classification.
Comment: The CAPN3 c.1319G>A (p.Arg440Gln) variant has been detected in several individuals with a clinical diagnosis of LGMD including in individuals with a pathogenic CAPN3 variant either confirmed or suspected on the other allele (Fanin M et al., PMID: 15221789; Groen EJ et al., PMID: 18055493; Guglieri M et al., PMID: 17994539, Huang Y et al., PMID: 18334579, Sáenz A et al., PMID: 15689361; Sacconi S et al. PMID: 21984748). Several individuals with this variant displayed absent calpain-3 protein expression, which is highly specific for CAPN3-related LGMD (Fanin M et al., PMID: 15221789; Groen EJ et al., PMID: 18055493). The highest population minor allele frequency in the population database genome aggregation database (v.4.1.0) is 0.026% in the South Asian population, which is consistent with the carrier frequency of LGMD. Computational predictors indicate that the variant is damaging, evidence that correlates with impact to calpain-3 function. Based on available information and the ClinGen Limb Girdle Muscular Dystrophy Expert Panel Specifications to the ACMG/AMP Variant Interpretation Guidelines for CAPN3, this variant is classified as pathogenic.

Revvity Omics, Revvity
Classification: Pathogenic. Last evaluated: 2025-01-01. Review status: criteria provided, single submitter. Criteria: ACMG Guidelines, 2015. Collection method: clinical testing. Allele origin: germline. Not counted in ClinVar's aggregate classification.